The following is an entry in ClinVar:

ClinVar aggregate classification (germline): Likely benign. Review status: criteria provided, multiple submitters, no conflicts (2 of 4 stars). 4 submissions from 4 submitters: Likely benign (3). 1 of the submissions does not count toward it. Last evaluated 2025-06-05.

Conditions:
HNF1B-related disorder. Also called: HNF1B-related condition; HNF1B-related disorders.
Type 2 diabetes mellitus. Also called: Type II diabetes mellitus. Identifiers: MedGen C0011860, MeSH D003924, MONDO:0005148, OMIM 125853, HP:0005978.
Nonpapillary renal cell carcinoma. Identifiers: Orphanet 422526, MedGen CN074294, MONDO:0007763, OMIM 144700.
Renal cysts and diabetes syndrome (RCAD). Also called: Familial hypoplastic, glomerulocystic kidney; MATURITY-ONSET DIABETES OF THE YOUNG, TYPE 5. Identifiers: Orphanet 93111, MedGen C0431693, MONDO:0007669, OMIM 137920.

Allele frequency attached by ClinVar (database versions not stated): gnomAD exomes 0.00002 and 0.00004; ExAC 0.00005; TOPMed 0.00005; gnomAD 0.00007; ESP Exome Variant Server 0.00015.
gnomAD v4.1: 42 of 1,553,496 alleles (0.0027%); highest among the groups gnomAD compares: African/African-American, 0.0068%; no homozygotes.

Submissions (4):

Labcorp Genetics (formerly Invitae), Labcorp
Classification: Likely benign. Last evaluated: 2025-06-05. Review status: criteria provided, single submitter. Criteria: Invitae Variant Classification Sherloc (09022015). Collection method: clinical testing. Allele origin: germline.

Women's Health and Genetics/Laboratory Corporation of America, LabCorp
Classification: Likely benign. Last evaluated: 2024-12-11. Review status: criteria provided, single submitter. Criteria: LabCorp Variant Classification Summary - May 2015. Collection method: clinical testing. Allele origin: germline.

Fulgent Genetics
Classification: Likely benign for Type 2 diabetes mellitus; Renal cysts and diabetes syndrome; Nonpapillary renal cell carcinoma. Last evaluated: 2021-10-27. Review status: criteria provided, single submitter. Criteria: ACMG Guidelines, 2015. Collection method: clinical testing. Allele origin: unknown.

PreventionGenetics, part of Exact Sciences
Classification: Likely benign for HNF1B-related condition. Last evaluated: 2024-05-02. Review status: no assertion criteria provided. Collection method: clinical testing. Allele origin: germline. Not counted in ClinVar's aggregate classification.
Comment: This variant is classified as likely benign based on ACMG/AMP sequence variant interpretation guidelines (Richards et al. 2015 PMID: 25741868, with internal and published modifications).

NM_000458.4(HNF1B):c.1534+10C>T

Gene: HNF1B (HNF1 homeobox B; minus strand). Cytogenetic location: 17q12.
Variant type: single nucleotide variant.
Coding change: c.1534+10C>T on transcript NM_000458.4 (MANE Select); 10 bases into the intron after coding-DNA position 1534, C replaced by T.
Molecular consequence: intron variant.
Genome position (GRCh38, 1-based): chr17:37,700,973, G>A on the plus strand (C>T on the coding strand, the complement: HNF1B is on the minus strand). VCF-style: chr17-37700973-G-A. GRCh37 (hg19) VCF-style: chr17-36060978-G-A.
Other names: c.1534+10C>T (NM_000458.3); c.1261+3944C>T (NM_001304286.2); c.1456+10C>T (NM_001165923.4).
Identifiers: ClinVar variation 1532785 (VCV001532785.11), dbSNP rs368168569, ClinGen allele CA8518818.